The following is an entry in ClinVar:

NM_001376.5(DYNC1H1):c.10267G>A (p.Ala3423Thr)

Gene: DYNC1H1 (dynein cytoplasmic 1 heavy chain 1; plus strand). Cytogenetic location: 14q32.31.
Variant type: single nucleotide variant.
Coding change: c.10267G>A on transcript NM_001376.5 (MANE Select); coding-DNA position 10267, G replaced by A.
Protein change: p.Ala3423Thr; replaces alanine 3423 with threonine.
Molecular consequence: missense variant.
Genome position (GRCh38, 1-based): chr14:102,033,338, G>A. VCF-style: chr14-102033338-G-A. GRCh37 (hg19) VCF-style: chr14-102499675-G-A.
Other names: short protein forms A3423T.
Identifiers: ClinVar variation 1769471 (VCV001769471.5), dbSNP rs762851661, ClinGen allele CA7353387.
Genomic context (GRCh38, chr14:102,033,338, plus strand): 5'-GCAGACATGTTAAAGAGAGTGGAGCCCCTACGCAATGAGCTGCAGAAGCTGGAAGATGAC[G>A]CCAAGGACAACCAGCAGAAGGCCAACGAGGTGGAGCAGATGATCCGAGACCTGGAAGCCA-3'
Protein context (NP_001367.2, residues 3413-3433): RNELQKLEDD[Ala3423Thr]KDNQQKANEV

ClinVar aggregate classification (germline): Conflicting classifications of pathogenicity. Review status: criteria provided, conflicting classifications (1 of 4 stars). 2 submissions from 2 submitters: Likely pathogenic (1); Uncertain significance (1). Last evaluated 2026-01-21.

Conditions:
Inborn genetic diseases. Identifiers: MedGen C0950123, MeSH D030342.
Charcot-Marie-Tooth disease axonal type 2O. Also called: Charcot-Marie-Tooth disease, axonal, type 20; CHARCOT-MARIE-TOOTH NEUROPATHY, AXONAL, TYPE 2O; CHARCOT-MARIE-TOOTH DISEASE, AXONAL, AUTOSOMAL DOMINANT, TYPE 2O; Charcot-Marie-Tooth Neuropathy Type 2O. Identifiers: Orphanet 284232, MedGen C3280220, MONDO:0013644, OMIM 614228.

Allele frequency attached by ClinVar (database versions not stated): gnomAD exomes below 0.00001; TOPMed below 0.00001; ExAC 0.00001; gnomAD 0.00001.
gnomAD v4.1: 2 of 1,614,070 alleles (0.00012%); highest among the groups gnomAD compares: Non-Finnish European, 0.00017%; no homozygotes.

Submissions (2):

Ambry Genetics
Classification: Uncertain significance for Inborn genetic diseases. Last evaluated: 2026-01-21. Review status: criteria provided, single submitter. Criteria: Ambry Variant Classification Scheme 2023. Collection method: clinical testing. Allele origin: germline.
Comment: The c.10267G>A (p.A3423T) alteration is located in exon 54 (coding exon 54) of the DYNC1H1 gene. This alteration results from a G to A substitution at nucleotide position 10267, causing the alanine (A) at amino acid position 3423 to be replaced by a threonine (T). Based on data from gnomAD, the A allele has an overall frequency of <0.001% (1/251428) total alleles studied. The highest observed frequency was 0.001% (1/113714) of European (non-Finnish) alleles. Based on insufficient or conflicting evidence, the clinical significance of this alteration remains unclear.

Labcorp Genetics (formerly Invitae), Labcorp
Classification: Likely pathogenic for Charcot-Marie-Tooth disease axonal type 2O. Last evaluated: 2025-01-06. Review status: criteria provided, single submitter. Criteria: Invitae Variant Classification Sherloc (09022015). Collection method: clinical testing. Allele origin: germline.
Comment: This sequence change replaces alanine, which is neutral and non-polar, with threonine, which is neutral and polar, at codon 3423 of the DYNC1H1 protein (p.Ala3423Thr). This variant is not present in population databases (gnomAD no frequency). This variant has not been reported in the literature in individuals affected with DYNC1H1-related conditions. ClinVar contains an entry for this variant (Variation ID: 1769471). Invitae Evidence Modeling of protein sequence and biophysical properties (such as structural, functional, and spatial information, amino acid conservation, physicochemical variation, residue mobility, and thermodynamic stability) indicates that this missense variant is expected to disrupt DYNC1H1 protein function with a positive predictive value of 95%. This variant disrupts the p.Ala3423 amino acid residue in DYNC1H1. Other variant(s) that disrupt this residue have been determined to be pathogenic (PMID: 37903666). This suggests that this residue is clinically significant, and that variants that disrupt this residue are likely to be disease-causing. In summary, the currently available evidence indicates that the variant is pathogenic, but additional data are needed to prove that conclusively. Therefore, this variant has been classified as Likely Pathogenic.

Literature cited by the submitters: PubMed 37903666 (cited by Labcorp Genetics (formerly Invitae), Labcorp).